The following is an entry in ClinVar:

ClinVar aggregate classification (germline): Likely benign (1 of 4 stars; one submission).

Conditions:
ALMS1-related disorder. Also called: ALMS1-related condition.

Submission:

PreventionGenetics, part of Exact Sciences
Classification: Likely benign for ALMS1-related condition. Last evaluated: 2025-09-24. Review status: criteria provided, single submitter. Criteria: ACMG Guidelines, 2015. Collection method: clinical testing. Allele origin: germline.
Comment: This variant is classified as likely benign based on ACMG/AMP sequence variant interpretation guidelines (Richards et al. 2015 PMID: 25741868, with internal and published modifications).

NM_001378454.1(ALMS1):c.4371T>C (p.Val1457=)

Gene: ALMS1 (ALMS1 centrosome and basal body associated protein; plus strand). Cytogenetic location: 2p13.1.
Variant type: single nucleotide variant.
Coding change: c.4371T>C on transcript NM_001378454.1 (MANE Select); coding-DNA position 4371, T replaced by C.
Protein change: p.Val1457=; no amino-acid change (valine 1457 retained).
Molecular consequence: synonymous variant.
Genome position (GRCh38, 1-based): chr2:73,450,898, T>C. VCF-style: chr2-73450898-T-C. GRCh37 (hg19) VCF-style: chr2-73678025-T-C.
Other names: c.4374T>C, p.Val1458= (NM_015120.4).
Identifiers: ClinVar variation 4993645 (VCV004993645.1).